The following is an entry in ClinVar:

NM_001365276.2(TNXB):c.10667A>G (p.Glu3556Gly)

Genes: TNXB (tenascin XB; minus strand), LOC106780803 (tenascin XB recombination region; plus strand). Cytogenetic location: 6p21.33.
Variant type: single nucleotide variant.
Coding change: c.10667A>G on transcript NM_001365276.2 (MANE Select); coding-DNA position 10667, A replaced by G.
Protein change: p.Glu3556Gly; replaces glutamic acid 3556 with glycine.
Molecular consequence: missense variant. On other transcripts: 5 prime UTR variant (1).
Genome position (GRCh38, 1-based): chr6:32,045,266, T>C on the plus strand (A>G on the coding strand, the complement: TNXB is on the minus strand). VCF-style: chr6-32045266-T-C. GRCh37 (hg19) VCF-style: chr6-32013043-T-C.
Other names: c.11408A>G, p.Glu3803Gly (NM_001428335.1); c.10661A>G, p.Glu3554Gly (NM_019105.8); c.-47A>G (NM_032470.4); short protein forms E3554G, E3556G, E3803G.
Identifiers: ClinVar variation 3898356 (VCV003898356.7).
Genomic context (GRCh38, chr6:32,045,266, plus strand): 5'-CACGAGAGGCGCATGGAGTCTGGGGTTGTGTCGGTCACGGTCAGCACTCCTAGGCGGGGC[T>C]CTTCAGGAGGCTCAGGGGCCTCTGGGGCTAACTCTGGGGCTGGTGTGTCCTCTTCTGGGG-3'
Protein context (NP_001352205.1, residues 3546-3566): LAPEAPEPPE[Glu3556Gly]PRLGVLTVTD

ClinVar aggregate classification (germline): Uncertain significance (1 of 4 stars; one submission).

Submission:

CeGaT Center for Human Genetics Tuebingen
Classification: Uncertain significance. Last evaluated: 2025-04-01. Review status: criteria provided, single submitter. Criteria: CeGaT Center For Human Genetics Tuebingen Variant Classification Criteria Version 2. Collection method: clinical testing. Allele origin: germline. Affected: yes. Observed: 1 variant allele.
Comment: TNXB: PM2, BP4